The following is an entry in ClinVar:

NM_022081.6(HPS4):c.1987A>G (p.Asn663Asp)

Gene: HPS4 (HPS4 biogenesis of lysosomal organelles complex 3 subunit 2; minus strand). Cytogenetic location: 22q12.1.
Variant type: single nucleotide variant.
Coding change: c.1987A>G on transcript NM_022081.6 (MANE Select); coding-DNA position 1987, A replaced by G.
Protein change: p.Asn663Asp; replaces asparagine 663 with aspartic acid.
Molecular consequence: missense variant. On other transcripts: non-coding transcript variant (8), intron variant (2).
Genome position (GRCh38, 1-based): chr22:26,453,373, T>C on the plus strand (A>G on the coding strand, the complement: HPS4 is on the minus strand). VCF-style: chr22-26453373-T-C. GRCh37 (hg19) VCF-style: chr22-26849339-T-C.
Other names: c.1987A>G, p.Asn663Asp (NM_001349896.1, NM_001349898.2, NM_001349899.2); c.2041A>G, p.Asn681Asp (NM_001349900.2, NM_001349901.1); c.1745A>G, p.Gln582Arg (NM_001349902.1, NM_001349903.2); c.1972A>G, p.Asn658Asp (NM_152841.2); c.1955+4486A>G (NM_001349905.1, NM_001349904.2); short protein forms N663D, N681D, N658D, Q582R.
Identifiers: ClinVar variation 1483607 (VCV001483607.6), dbSNP rs759405900, ClinGen allele CA411023144.

ClinVar aggregate classification (germline): Uncertain significance (1 of 4 stars; one submission).

Submission:

Labcorp Genetics (formerly Invitae), Labcorp
Classification: Uncertain significance. Last evaluated: 2022-09-01. Review status: criteria provided, single submitter. Criteria: Invitae Variant Classification Sherloc (09022015). Collection method: clinical testing. Allele origin: germline.
Comment: In summary, the available evidence is currently insufficient to determine the role of this variant in disease. Therefore, it has been classified as a Variant of Uncertain Significance. Algorithms developed to predict the effect of missense changes on protein structure and function (SIFT, PolyPhen-2, Align-GVGD) all suggest that this variant is likely to be tolerated. ClinVar contains an entry for this variant (Variation ID: 1483607). This variant has not been reported in the literature in individuals affected with HPS4-related conditions. This variant is not present in population databases (gnomAD no frequency). This sequence change replaces asparagine, which is neutral and polar, with aspartic acid, which is acidic and polar, at codon 663 of the HPS4 protein (p.Asn663Asp).